The following is an entry in ClinVar:

ClinVar aggregate classification (germline): Uncertain significance (1 of 4 stars; one submission).

Submission:

Labcorp Genetics (formerly Invitae), Labcorp
Classification: Uncertain significance. Last evaluated: 2022-03-10. Review status: criteria provided, single submitter. Criteria: Invitae Variant Classification Sherloc (09022015). Collection method: clinical testing. Allele origin: germline.
Comment: In summary, the available evidence is currently insufficient to determine the role of this variant in disease. Therefore, it has been classified as a Variant of Uncertain Significance. Algorithms developed to predict the effect of missense changes on protein structure and function (SIFT, PolyPhen-2, Align-GVGD) all suggest that this variant is likely to be tolerated. ClinVar contains an entry for this variant (Variation ID: 864201). This variant has not been reported in the literature in individuals affected with PITPNM3-related conditions. This variant is present in population databases (no rsID available, gnomAD no frequency). This sequence change replaces isoleucine, which is neutral and non-polar, with methionine, which is neutral and non-polar, at codon 112 of the PITPNM3 protein (p.Ile112Met).

NM_031220.4(PITPNM3):c.336C>G (p.Ile112Met)

Gene: PITPNM3 (PITPNM family member 3; minus strand). Cytogenetic location: 17p13.2.
Variant type: single nucleotide variant.
Coding change: c.336C>G on transcript NM_031220.4 (MANE Select); coding-DNA position 336, C replaced by G.
Protein change: p.Ile112Met; replaces isoleucine 112 with methionine.
Molecular consequence: missense variant.
Genome position (GRCh38, 1-based): chr17:6,484,231, G>C on the plus strand (C>G on the coding strand, the complement: PITPNM3 is on the minus strand). VCF-style: chr17-6484231-G-C. GRCh37 (hg19) VCF-style: chr17-6387551-G-C.
Other names: c.228C>G, p.Ile76Met (NM_001165966.2); short protein forms I112M, I76M.
Identifiers: ClinVar variation 864201 (VCV000864201.9), dbSNP rs765408621, ClinGen allele CA397411455.